The following is an entry in ClinVar:

ClinVar aggregate classification (germline): Pathogenic/Likely pathogenic. Review status: criteria provided, multiple submitters, no conflicts (2 of 4 stars). 2 submissions from 2 submitters: Pathogenic (1); Likely pathogenic (1). Last evaluated 2024-03-04.

Conditions:
Retinitis pigmentosa 39 (RP39). Identifiers: Orphanet 791, MedGen C3151138, MONDO:0013436, OMIM 613809.

gnomAD v4.1: 1 of 1,614,096 alleles (0.000062%); highest among the groups gnomAD compares: Non-Finnish European, 0.000085%; no homozygotes.

Submissions (2):

Baylor Genetics
Classification: Likely pathogenic for Retinitis pigmentosa 39. Last evaluated: 2024-03-04. Review status: criteria provided, single submitter. Criteria: ACMG Guidelines, 2015. Collection method: clinical testing. Allele origin: unknown.

GeneDx
Classification: Pathogenic. Last evaluated: 2019-01-10. Review status: criteria provided, single submitter. Criteria: GeneDx Variant Classification Process June 2021. Collection method: clinical testing. Allele origin: germline. Affected: yes.
Comment: Canonical splice site variant in a gene for which loss-of-function is a known mechanism of disease; Not observed in large population cohorts (Lek et al., 2016); Has not been previously published as pathogenic or benign to our knowledge

NM_206933.4(USH2A):c.10741-1G>T

Gene: USH2A (usherin; minus strand). Cytogenetic location: 1q41.
Variant type: single nucleotide variant.
Coding change: c.10741-1G>T on transcript NM_206933.4 (MANE Select); the canonical splice acceptor site of the intron before coding-DNA position 10741, G replaced by T.
Molecular consequence: splice acceptor variant.
Genome position (GRCh38, 1-based): chr1:215,780,042, C>A on the plus strand (G>T on the coding strand, the complement: USH2A is on the minus strand). VCF-style: chr1-215780042-C-A. GRCh37 (hg19) VCF-style: chr1-215953384-C-A.
Identifiers: ClinVar variation 421661 (VCV000421661.5), dbSNP rs1064795279, ClinGen allele CA16617054.